The following is an entry in ClinVar:

ClinVar aggregate classification (germline): Uncertain significance (1 of 4 stars; one submission).

Conditions:
Hereditary insensitivity to pain with anhidrosis (CIPA). Also called: NTRK1 Congenital Insensitivity to Pain with Anhidrosis; HSAN Type IV; FAMILIAL DYSAUTONOMIA, TYPE II; INSENSITIVITY TO PAIN, CONGENITAL, WITH ANHIDROSIS; NEUROPATHY, CONGENITAL SENSORY, WITH ANHIDROSIS; hereditary sensory and autonomic neuropathy type 4. Identifiers: Orphanet 642, MedGen C0020074, MONDO:0009746, OMIM 256800.

Allele frequency attached by ClinVar (database versions not stated): ExAC 0.00001; gnomAD exomes 0.00001.
gnomAD v4.1: 5 of 1,609,764 alleles (0.00031%); highest among the groups gnomAD compares: Admixed American, 0.0034%; no homozygotes.

Submission:

Labcorp Genetics (formerly Invitae), Labcorp
Classification: Uncertain significance for Hereditary insensitivity to pain with anhidrosis. Last evaluated: 2021-11-24. Review status: criteria provided, single submitter. Criteria: Invitae Variant Classification Sherloc (09022015). Collection method: clinical testing. Allele origin: germline.
Comment: This sequence change replaces glutamic acid, which is acidic and polar, with aspartic acid, which is acidic and polar, at codon 761 of the NTRK1 protein (p.Glu761Asp). This variant is present in population databases (rs753397054, gnomAD 0.006%). This variant has not been reported in the literature in individuals affected with NTRK1-related conditions. Advanced modeling of protein sequence and biophysical properties (such as structural, functional, and spatial information, amino acid conservation, physicochemical variation, residue mobility, and thermodynamic stability) performed at Invitae indicates that this missense variant is not expected to disrupt NTRK1 protein function. In summary, the available evidence is currently insufficient to determine the role of this variant in disease. Therefore, it has been classified as a Variant of Uncertain Significance.

NM_002529.4(NTRK1):c.2301G>C (p.Glu767Asp)

Gene: NTRK1 (neurotrophic receptor tyrosine kinase 1; plus strand). Cytogenetic location: 1q23.1.
Variant type: single nucleotide variant.
Coding change: c.2301G>C on transcript NM_002529.4 (MANE Select); coding-DNA position 2301, G replaced by C.
Protein change: p.Glu767Asp; replaces glutamic acid 767 with aspartic acid.
Molecular consequence: missense variant.
Genome position (GRCh38, 1-based): chr1:156,881,552, G>C. VCF-style: chr1-156881552-G-C. GRCh37 (hg19) VCF-style: chr1-156851344-G-C.
Other names: c.2193G>C, p.Glu731Asp (NM_001007792.1); c.2283G>C, p.Glu761Asp (NM_001012331.2); short protein forms E761D, E767D, E731D.
Identifiers: ClinVar variation 1394822 (VCV001394822.3), dbSNP rs753397054, ClinGen allele CA1169627.